The following is an entry in ClinVar:

ClinVar aggregate classification (germline): Uncertain significance (1 of 4 stars; one submission).

Submission:

CeGaT Center for Human Genetics Tuebingen
Classification: Uncertain significance. Last evaluated: 2026-01-01. Review status: criteria provided, single submitter. Criteria: CeGaT Center For Human Genetics Tuebingen Variant Classification Criteria Version 2. Collection method: clinical testing. Allele origin: germline. Affected: yes. Observed: 1 variant allele.
Comment: CFH: PM2, BP4

NM_000186.4(CFH):c.1963G>A (p.Val655Met)

Gene: CFH (complement factor H; plus strand). Cytogenetic location: 1q31.3.
Variant type: single nucleotide variant.
Coding change: c.1963G>A on transcript NM_000186.4 (MANE Select); coding-DNA position 1963, G replaced by A.
Protein change: p.Val655Met; replaces valine 655 with methionine.
Molecular consequence: missense variant.
Genome position (GRCh38, 1-based): chr1:196,726,559, G>A. VCF-style: chr1-196726559-G-A. GRCh37 (hg19) VCF-style: chr1-196695689-G-A.
Other names: short protein forms V655M.
Identifiers: ClinVar variation 4822980 (VCV004822980.4).